The following is an entry in ClinVar:

NM_000891.3(KCNJ2):c.119G>C (p.Arg40Pro)

Gene: KCNJ2 (potassium inwardly rectifying channel subfamily J member 2; plus strand). Cytogenetic location: 17q24.3.
Variant type: single nucleotide variant.
Coding change: c.119G>C on transcript NM_000891.3 (MANE Select); coding-DNA position 119, G replaced by C.
Protein change: p.Arg40Pro; replaces arginine 40 with proline.
Molecular consequence: missense variant.
Genome position (GRCh38, 1-based): chr17:70,175,158, G>C. VCF-style: chr17-70175158-G-C. GRCh37 (hg19) VCF-style: chr17-68171299-G-C.
Other names: short protein forms R40P.
Identifiers: ClinVar variation 403976 (VCV000403976.8), dbSNP rs766143485, ClinGen allele CA16615669.

ClinVar aggregate classification (germline): Uncertain significance (1 of 4 stars; one submission).

Conditions:
Andersen Tawil syndrome (LQT7). Also called: ANDERSEN CARDIODYSRHYTHMIC PERIODIC PARALYSIS; Potassium-sensitive periodic paralysis, ventricular ectopy, and dysmorphic features; Andersen Syndrome; LONG QT SYNDROME 7; PERIODIC PARALYSIS, POTASSIUM-SENSITIVE CARDIODYSRHYTHMIC TYPE. Identifiers: Orphanet 37553, MedGen C1563715, MONDO:0008222, OMIM 170390.
Short QT syndrome type 3. Identifiers: Orphanet 51083, MedGen C1865018, MONDO:0012314, OMIM 609622.

Submission:

Labcorp Genetics (formerly Invitae), Labcorp
Classification: Uncertain significance for Short QT syndrome type 3; Andersen Tawil syndrome. Last evaluated: 2022-03-18. Review status: criteria provided, single submitter. Criteria: Invitae Variant Classification Sherloc (09022015). Collection method: clinical testing. Allele origin: germline.
Comment: Algorithms developed to predict the effect of missense changes on protein structure and function (SIFT, PolyPhen-2, Align-GVGD) all suggest that this variant is likely to be tolerated. This sequence change replaces arginine, which is basic and polar, with proline, which is neutral and non-polar, at codon 40 of the KCNJ2 protein (p.Arg40Pro). This variant is not present in population databases (gnomAD no frequency). This variant has not been reported in the literature in individuals affected with KCNJ2-related conditions. ClinVar contains an entry for this variant (Variation ID: 403976). In summary, the available evidence is currently insufficient to determine the role of this variant in disease. Therefore, it has been classified as a Variant of Uncertain Significance.